The following is an entry in ClinVar:

NM_022124.6(CDH23):c.6050-15G>A

Gene: CDH23 (cadherin related 23; plus strand). Cytogenetic location: 10q22.1.
Variant type: single nucleotide variant.
Coding change: c.6050-15G>A on transcript NM_022124.6 (MANE Select); 15 bases into the intron before coding-DNA position 6050, G replaced by A.
Molecular consequence: intron variant.
Genome position (GRCh38, 1-based): chr10:71,791,117, G>A. VCF-style: chr10-71791117-G-A. GRCh37 (hg19) VCF-style: chr10-73550874-G-A.
Identifiers: ClinVar variation 178309 (VCV000178309.27), dbSNP rs373838930, ClinGen allele CA182081.
Genomic context (GRCh38, chr10:71,791,117, plus strand): 5'-CTGTTGGTTCTTGCCCTGTCTTCCCACCGCACCCCTTTTCTGTGTGTTTCCCTGGCTGGC[G>A]GCACCGGGTGCCAGGTGTGGTGACCGTGAGGTCAGGTGTCATCATTGACCGGGAGGCATT-3'

ClinVar aggregate classification (germline): Pathogenic/Likely pathogenic. Review status: criteria provided, multiple submitters, no conflicts (2 of 4 stars). 12 submissions from 12 submitters: Pathogenic (6); Likely pathogenic (4). 2 of the submissions do not count toward it. Last evaluated 2026-02-13.

Conditions:
CDH23-related disorder. Also called: CDH23-related condition; CDH23-related disorders.
Pituitary adenoma 5, multiple types. Identifiers: MedGen C4539685, MONDO:0054601, OMIM 617540.
Usher syndrome type 1D (USH1D). Also called: USHER SYNDROME, TYPE ID. Identifiers: Orphanet 231169, Orphanet 886, MedGen C1832845, MONDO:0010984, OMIM 601067.
Autosomal recessive nonsyndromic hearing loss 12. Also called: DEAFNESS, AUTOSOMAL RECESSIVE 12. Identifiers: Orphanet 90636, MedGen C1832394, MONDO:0011067, OMIM 601386.

Allele frequency attached by ClinVar (database versions not stated): gnomAD exomes 0.00001; ExAC 0.00004; gnomAD 0.00005 and 0.00006; TOPMed 0.00006; ESP Exome Variant Server 0.00008.
gnomAD v4.1: 26 of 1,592,982 alleles (0.0016%); highest among the groups gnomAD compares: African/African-American, 0.0067%; no homozygotes.

Submissions (12):

OLLIN Analises Genomicas, OLLIN
Classification: Likely pathogenic for Usher syndrome type 1D. Last evaluated: 2026-02-13. Review status: criteria provided, single submitter. Criteria: ACMG Guidelines 2015 PMID 25741868. Collection method: clinical testing. Allele origin: germline. Observed: 1 variant allele.
Comment: PS3_P, PS4_P, PM2_P, PM3, PP3

PreventionGenetics, part of Exact Sciences
Classification: Pathogenic for CDH23-related condition. Last evaluated: 2026-02-11. Review status: criteria provided, single submitter. Criteria: ACMG Guidelines, 2015. Collection method: clinical testing. Allele origin: germline.
Comment: The CDH23 c.6050-15G>A variant is predicted to interfere with splicing. This variant is predicted to alter splicing based on available splicing prediction programs (SpliceAI, Jaganathan et al. 2019. PubMed ID: 30661751). In vitro characterization indicates that this variant creates a novel acceptor site and results in a frameshift causing addition of 13 nucleotides in exon 46 (Valero et al. 2019. PubMed ID: 31546658). This variant has been reported in the homozygous state in individuals with Usher syndrome or hearing loss (Supplementary Table 1, AlAbdi et al. 2023. PubMed ID: 37644014; Supplementary Table 1, Monies et al. 2019. PubMed ID: 31130284). This variant has been reported in four related and affected individuals from the same family (Supplementary Table 1, AlAbdi et al. 2023. PubMed ID: 37644014). This variant is reported in 0.0064% of alleles in individuals of Latino descent in gnomAD. This variant is interpreted as pathogenic.

Labcorp Genetics (formerly Invitae), Labcorp
Classification: Pathogenic. Last evaluated: 2025-12-21. Review status: criteria provided, single submitter. Criteria: Invitae Variant Classification Sherloc (09022015). Collection method: clinical testing. Allele origin: germline.
Comment: This sequence change falls in intron 46 of the CDH23 gene. It does not directly change the encoded amino acid sequence of the CDH23 protein. RNA analysis indicates that this variant induces altered splicing and may result in an absent or altered protein product. This variant is present in population databases (rs373838930, gnomAD 0.007%). This variant has been observed in individual(s) with Usher syndrome (PMID: 31546658; internal data). In at least one individual the data is consistent with being in trans (on the opposite chromosome) from a pathogenic variant. ClinVar contains an entry for this variant (Variation ID: 178309). Studies have shown that this variant results in altered splicing, and produces a non-functional protein and/or introduces a premature termination codon (PMID: 31546658). For these reasons, this variant has been classified as Pathogenic.

Genomic Medicine Center of Excellence, King Faisal Specialist Hospital and Research Centre
Classification: Likely pathogenic for Usher syndrome type 1D. Last evaluated: 2025-09-10. Review status: criteria provided, single submitter. Criteria: ACMG Guidelines, 2015. Collection method: clinical testing. Allele origin: germline.

Dasa
Classification: Pathogenic. Last evaluated: 2025-06-13. Review status: criteria provided, single submitter. Criteria: DASA Assertion Criteria. Collection method: clinical testing. Allele origin: germline.
Comment: NM_022124.6(CDH23):c.6050-15G>A introduces a premature termination codon predicted to result in loss of normal protein function. Loss-of-function is an established mechanism of disease for this gene. This variant has been observed in affected individuals with related phenotype in a genotype context consistent with recessive disease (PMID: 31546658; PMID: 31130284). Functional evidence supports a deleterious effect on the gene or gene product (PMID: 31546658; PMID: 31130284). This variant has been recurrently observed in individuals with related phenotype (PMID: 31546658; PMID: 31130284). The variant is present at low frequency in population datasets. Based on the available data, this variant is classified as pathogenic.

Blueprint Genetics
Classification: Pathogenic for CDH23-related disorders. Last evaluated: 2024-10-23. Review status: criteria provided, single submitter. Criteria: ACMG Guidelines, 2015. Collection method: clinical testing. Allele origin: germline. Affected: yes. Observed: 5 variant alleles.

Fulgent Genetics
Classification: Likely pathogenic for Usher syndrome type 1D; Autosomal recessive nonsyndromic hearing loss 12; Pituitary adenoma 5, multiple types. Last evaluated: 2024-03-08. Review status: criteria provided, single submitter. Criteria: ACMG Guidelines, 2015. Collection method: clinical testing. Allele origin: germline.

Baylor Genetics
Classification: Likely pathogenic for Pituitary adenoma 5, multiple types. Last evaluated: 2023-12-22. Review status: criteria provided, single submitter. Criteria: ACMG Guidelines, 2015. Collection method: clinical testing. Allele origin: unknown.

GeneDx
Classification: Pathogenic. Last evaluated: 2021-10-28. Review status: criteria provided, single submitter. Criteria: GeneDx Variant Classification Process June 2021. Collection method: clinical testing. Allele origin: germline. Affected: yes.
Comment: Non-canonical splice site variant demonstrated to result in loss-of-function (Valero et al, 2019); Not observed at a significant frequency in large population cohorts (Lek et al., 2016); This variant is associated with the following publications: (PMID: 31130284, 31546658)

Juno Genomics, Hangzhou Juno Genomics, Inc
Classification: Pathogenic for Usher syndrome type 1D; Pituitary adenoma 5, multiple types; Autosomal recessive nonsyndromic hearing loss 12. Review status: criteria provided, single submitter. Criteria: ACMG Guidelines, 2015. Collection method: clinical testing. Allele origin: germline.
Comment: Absent from controls (or at extremely low frequency if recessive) in Genome Aggregation Database.;Null variant in a gene where loss of function (LOF) is a known mechanism of disease.;For recessive disorders, detected in trans with a pathogenic variant.

DBGen Ocular Genomics
Classification: Uncertain significance for Usher syndrome type 1D. Last evaluated: 2021-06-01. Review status: flagged submission. Criteria: ACMG Guidelines, 2015. Collection method: clinical testing. Allele origin: germline. Affected: yes. Observed: 1 variant allele. Not counted in ClinVar's aggregate classification.
ClinVar note: Reason: Claim with insufficient supporting evidence

Laboratory for Molecular Medicine, Mass General Brigham Personalized Medicine
Classification: Uncertain significance. Last evaluated: 2014-12-29. Review status: flagged submission. Criteria: LMM Criteria. Collection method: clinical testing. Allele origin: germline. Observed: 1 variant allele. Not counted in ClinVar's aggregate classification.
Comment: The c.6050-15G>A variant in CDH23 has not been previously reported in individual s with hearing loss but has been identified in 1/8480 of European chromosomes by the NHLBI Exome Sequencing Project (dbSNP rs 373838930). Although this variant has been seen in the general population, its f requency is not high enough to rule out a pathogenic role. This variant is locat ed in the 3' splice region. Computational tools predict that this variant may cr eate a novel splice acceptor site, which would likely cause a frameshift in the protein; however, this information is not predictive enough to determine pathoge nicity. In summary, the clinical significance of the c.6050-15G>A variant is unc ertain.
ClinVar note: Reason: Older claim that does not account for recent evidence

Literature cited by the submitters: PubMed 31546658 (cited by Labcorp Genetics (formerly Invitae), Labcorp and Dasa); PubMed 31130284 (cited by Dasa).